The following is an entry in ClinVar:

ClinVar aggregate classification (germline): Uncertain significance (1 of 4 stars; one submission).

gnomAD v4.1: 3 of 1,608,394 alleles (0.00019%); highest among the groups gnomAD compares: Non-Finnish European, 0.00025%; no homozygotes.

Submission:

Women's Health and Genetics/Laboratory Corporation of America, LabCorp
Classification: Uncertain significance. Last evaluated: 2023-11-16. Review status: criteria provided, single submitter. Criteria: LabCorp Variant Classification Summary - May 2015. Collection method: clinical testing. Allele origin: germline.
Comment: Variant summary: SPTBN2 c.2305C>G (p.Leu769Val) results in a conservative amino acid change in the encoded protein sequence. Three of five in-silico tools predict a benign effect of the variant on protein function. The variant was absent in 245614 control chromosomes (gnomAD). c.2305C>G has been reported in the literature in the homozygous state in an individual with clinical features consistent with Spinocerebellar Ataxia, who was well genotyped and also had a positive family history (Kara_2016). These data indicate that the variant may be associated with Spinocerebellar Ataxia with an autosomal recessive pattern of inheritance. To our knowledge, no experimental evidence demonstrating an impact on protein function has been reported. The following publication has been ascertained in the context of this evaluation (PMID: 27217339). No submitters have cited clinical-significance assessments for this variant to ClinVar after 2014. Based on the evidence outlined above, the variant was classified as VUS-possibly pathogenic.

Literature cited by the submitters: PubMed 27217339.

NM_006946.4(SPTBN2):c.2305C>G (p.Leu769Val)

Gene: SPTBN2 (spectrin beta, non-erythrocytic 2; minus strand). Cytogenetic location: 11q13.2.
Variant type: single nucleotide variant.
Coding change: c.2305C>G on transcript NM_006946.4 (MANE Select); coding-DNA position 2305, C replaced by G.
Protein change: p.Leu769Val; replaces leucine 769 with valine.
Molecular consequence: missense variant.
Genome position (GRCh38, 1-based): chr11:66,704,971, G>C on the plus strand (C>G on the coding strand, the complement: SPTBN2 is on the minus strand). VCF-style: chr11-66704971-G-C. GRCh37 (hg19) VCF-style: chr11-66472442-G-C.
Other names: c.2326C>G, p.Leu776Val (NM_001411025.1); short protein forms L769V, L776V.
Identifiers: ClinVar variation 2682580 (VCV002682580.1), dbSNP rs2496278438, ClinGen allele CA381478024.
Genomic context (GRCh38, chr11:66,704,971, plus strand): 5'-GCTGCCTGGCTAGAGCCTGCGTGGAGAACTCGTCGTGCCCCAGCTCGGGGCTGGACACCA[G>C]GCGCAGTGCGTCAACCAACCAGGCCTCCATGTCGTTTGCATCGGCCTGGAACTGGTAGAG-3'
Protein context (NP_008877.2, residues 759-779): MEAWLVDALR[Leu769Val]VSSPELGHDE